The following is an entry in ClinVar:

NM_000069.3(CACNA1S):c.3163T>C (p.Phe1055Leu)

Gene: CACNA1S (calcium voltage-gated channel subunit alpha1 S; minus strand). Cytogenetic location: 1q32.1.
Variant type: single nucleotide variant.
Coding change: c.3163T>C on transcript NM_000069.3 (MANE Select); coding-DNA position 3163, T replaced by C.
Protein change: p.Phe1055Leu; replaces phenylalanine 1055 with leucine.
Molecular consequence: missense variant.
Genome position (GRCh38, 1-based): chr1:201,061,359, A>G on the plus strand (T>C on the coding strand, the complement: CACNA1S is on the minus strand). VCF-style: chr1-201061359-A-G. GRCh37 (hg19) VCF-style: chr1-201030487-A-G.
Other names: short protein forms F1055L.
Identifiers: ClinVar variation 3073068 (VCV003073068.1), dbSNP rs780977987, ClinGen allele CA344162248.

ClinVar aggregate classification (germline): Uncertain significance (1 of 4 stars; one submission).

Conditions:
Malignant hyperthermia, susceptibility to, 5 (MHS5). Also called: CACNA1S-Related Malignant Hyperthermia Susceptibility. Identifiers: Orphanet 423, MedGen C1866077, MONDO:0011163, OMIM 601887.

Submission:

All of Us Research Program, National Institutes of Health
Classification: Uncertain significance for Malignant hyperthermia, susceptibility to, 5. Last evaluated: 2023-11-30. Review status: criteria provided, single submitter. Criteria: ACMG Guidelines, 2015. Collection method: clinical testing. Allele origin: germline. Inheritance: Autosomal dominant inheritance. Observed: 1 variant allele, 1 heterozygote.
Comment: This study involves interpretation of variants in research participants for the purpose of population health screening. Participant phenotype was not available at the time of variant classification. Additional details can be found in publication PMID: 35346344, PMCID: PMC8962531